The following is an entry in ClinVar:

ClinVar aggregate classification (germline): Uncertain significance (1 of 4 stars; one submission).

Conditions:
Developmental and epileptic encephalopathy, 1 (DEE1). Also called: OHTAHARA SYNDROME, X-LINKED; INFANTILE SPASM SYNDROME, X-LINKED 1; Epileptic encephalopathy, early infantile, 1; X-linked infantile spasms; West's syndrome; Tonic spasms with clustering, arrest of psychomotor development and hypsarrhythmia on EEG. Identifiers: MedGen C3463992, MONDO:0010632, OMIM 308350. Disease mechanism: loss of function.
Autosomal recessive spinocerebellar ataxia 12. Also called: SPINOCEREBELLAR ATAXIA WITH MENTAL RETARDATION AND EPILEPSY. Identifiers: Orphanet 284282, MedGen C3280452, MONDO:0013687, OMIM 614322.

Allele frequency attached by ClinVar (database versions not stated): ExAC 0.00001; gnomAD exomes 0.00001; ESP Exome Variant Server 0.00008.
gnomAD v4.1: 1 of 1,614,160 alleles (0.000062%); highest among the groups gnomAD compares: Non-Finnish European, 0.000085%; no homozygotes.

Submission:

Labcorp Genetics (formerly Invitae), Labcorp
Classification: Uncertain significance for Developmental and epileptic encephalopathy, 1; Autosomal recessive spinocerebellar ataxia 12. Last evaluated: 2022-10-24. Review status: criteria provided, single submitter. Criteria: Invitae Variant Classification Sherloc (09022015). Collection method: clinical testing. Allele origin: germline.
Comment: This sequence change replaces aspartic acid, which is acidic and polar, with glutamic acid, which is acidic and polar, at codon 276 of the WWOX protein (p.Asp276Glu). This variant is present in population databases (rs372225190, gnomAD 0.002%). This variant has not been reported in the literature in individuals affected with WWOX-related conditions. ClinVar contains an entry for this variant (Variation ID: 571389). Advanced modeling of protein sequence and biophysical properties (such as structural, functional, and spatial information, amino acid conservation, physicochemical variation, residue mobility, and thermodynamic stability) performed at Invitae indicates that this missense variant is not expected to disrupt WWOX protein function. In summary, the available evidence is currently insufficient to determine the role of this variant in disease. Therefore, it has been classified as a Variant of Uncertain Significance.

NM_016373.4(WWOX):c.828C>G (p.Asp276Glu)

Gene: WWOX (WW domain containing oxidoreductase; plus strand). Cytogenetic location: 16q23.1.
Variant type: single nucleotide variant.
Coding change: c.828C>G on transcript NM_016373.4 (MANE Select); coding-DNA position 828, C replaced by G.
Protein change: p.Asp276Glu; replaces aspartic acid 276 with glutamic acid.
Molecular consequence: missense variant.
Genome position (GRCh38, 1-based): chr16:78,432,524, C>G. VCF-style: chr16-78432524-C-G. GRCh37 (hg19) VCF-style: chr16-78466421-C-G.
Other names: c.489C>G, p.Asp163Glu (NM_001291997.2); short protein forms D276E, D163E.
Identifiers: ClinVar variation 571389 (VCV000571389.9), dbSNP rs372225190, ClinGen allele CA8183505.